The following is an entry in ClinVar:

ClinVar aggregate classification (germline): Pathogenic (1 of 4 stars; one submission).

Conditions:
Neuronal ceroid lipofuscinosis. Also called: Neuronal Ceroid Lipofuscinoses. Identifiers: Orphanet 216, Orphanet 79263, MedGen C0027877, MONDO:0016295. Disease mechanism: loss of function.

Submission:

Women's Health and Genetics/Laboratory Corporation of America, LabCorp
Classification: Pathogenic for Neuronal ceroid lipofuscinosis. Last evaluated: 2023-12-08. Review status: criteria provided, single submitter. Criteria: LabCorp Variant Classification Summary - May 2015. Collection method: clinical testing. Allele origin: germline.
Comment: Variant summary: CTSF c.1119dupC (p.Lys374GlnfsX6) results in a premature termination codon, predicted to cause absence of the protein due to nonsense mediated decay, which is a commonly known mechanism for disease. The variant was absent in 248054 control chromosomes (gnomAD). To our knowledge, no occurrence of c.1119dupC in individuals affected with Neuronal Ceroid-Lipofuscinosis (Batten Disease) and no experimental evidence demonstrating its impact on protein function have been reported. No submitters have cited clinical-significance assessments for this variant to ClinVar after 2014. Based on the evidence outlined above, the variant was classified as pathogenic.

NM_003793.4(CTSF):c.1119dup (p.Lys374fs)

Gene: CTSF (cathepsin F; minus strand). Cytogenetic location: 11q13.2.
Variant type: Duplication.
Coding change: c.1119dup on transcript NM_003793.4 (MANE Select); coding-DNA position 1119, one base duplicated (C; older notation c.1119dupC).
Protein change: p.Lys374fs; shifts the reading frame from lysine 374.
Molecular consequence: frameshift variant.
Genome position (GRCh38, 1-based): chr11:66,564,933, G duplicated on the plus strand (C on the coding strand, the reverse complement: CTSF is on the minus strand); the first of 2 consecutive G bases (chr11:66,564,933-66,564,934); duplicating either gives the same sequence. VCF-style (leftmost placement, unchanged base first): chr11-66564932-T-TG. GRCh37 (hg19) VCF-style: chr11-66332403-T-TG.
Other names: c.1119dupC (NM_003793.4); short protein forms K374fs.
Identifiers: ClinVar variation 2691546 (VCV002691546.1), dbSNP rs2495273817, ClinGen allele CA2614512014.